The following is an entry in ClinVar:

NM_032043.3(BRIP1):c.2830C>T (p.Gln944Ter)

Gene: BRIP1 (BRCA1 interacting DNA helicase 1; minus strand). Cytogenetic location: 17q23.2.
Variant type: single nucleotide variant.
Coding change: c.2830C>T on transcript NM_032043.3 (MANE Select); coding-DNA position 2830, C replaced by T.
Protein change: p.Gln944Ter; replaces glutamine 944 with a stop codon.
Molecular consequence: nonsense.
Genome position (GRCh38, 1-based): chr17:61,685,911, G>A on the plus strand (C>T on the coding strand, the complement: BRIP1 is on the minus strand). VCF-style: chr17-61685911-G-A. GRCh37 (hg19) VCF-style: chr17-59763272-G-A.
Other names: short protein forms Q944*.
Identifiers: ClinVar variation 487435 (VCV000487435.14), dbSNP rs140233356, ClinGen allele CA8690450.
Genomic context (GRCh38, chr17:61,685,911, plus strand): 5'-AGATAATGCTACTTGGTAGAGGTGAATTTTTGGTAATAATTTTAGGACACTGTAGTTCCT[G>A]GACACATATCTTTGCTTCATCTTCCACAAAATTTTCTGGTGATAGATGACTTGCTGCTTC-3'

ClinVar aggregate classification (germline): Pathogenic. Review status: criteria provided, multiple submitters, no conflicts (2 of 4 stars). 4 submissions from 4 submitters: Pathogenic (3). 1 of the submissions does not count toward it. Last evaluated 2025-10-06.

Conditions:
Fanconi anemia complementation group J. Also called: BRIP1-Related Fanconi Anemia. Identifiers: Orphanet 84, MedGen C1836860, MONDO:0012187, OMIM 609054.
Ovarian cancer. Also called: OVARIAN CANCER, SOMATIC. Identifiers: Orphanet 213500, MedGen C1140680, MONDO:0008170, OMIM 167000.
Familial cancer of breast. Also called: BREAST CANCER, FAMILIAL; hereditary breast carcinoma; Hereditary breast cancer. Identifiers: Orphanet 227535, MedGen C0346153, MONDO:0016419, OMIM 114480. Disease mechanism: loss of function.
Hereditary cancer-predisposing syndrome. Also called: Tumor predisposition; Neoplastic Syndromes, Hereditary; Hereditary Cancer Syndrome; Hereditary neoplastic syndrome. Identifiers: Orphanet 140162, MedGen C0027672, MeSH D009386, MONDO:0015356.

Submissions (4):

Labcorp Genetics (formerly Invitae), Labcorp
Classification: Pathogenic for Familial cancer of breast; Fanconi anemia complementation group J. Last evaluated: 2025-10-06. Review status: criteria provided, single submitter. Criteria: Invitae Variant Classification Sherloc (09022015). Collection method: clinical testing. Allele origin: germline.
Comment: This sequence change creates a premature translational stop signal (p.Gln944*) in the BRIP1 gene. It is expected to result in an absent or disrupted protein product. Loss-of-function variants in BRIP1 are known to be pathogenic (PMID: 16116423, 17033622, 21964575). This variant is present in population databases (rs140233356, gnomAD 0.003%). This variant has not been reported in the literature in individuals affected with BRIP1-related conditions. ClinVar contains an entry for this variant (Variation ID: 487435). For these reasons, this variant has been classified as Pathogenic.

Myriad Genetics, Inc.
Classification: Pathogenic for Familial cancer of breast. Last evaluated: 2023-06-22. Review status: criteria provided, single submitter. Criteria: Myriad Autosomal Dominant, Autosomal Recessive and X-Linked Classification Criteria (2023). Collection method: clinical testing. Allele origin: unknown.
Comment: This variant is considered pathogenic. This variant creates a termination codon and is predicted to result in premature protein truncation.

Ambry Genetics
Classification: Pathogenic for Hereditary cancer-predisposing syndrome. Last evaluated: 2023-05-11. Review status: criteria provided, single submitter. Criteria: Ambry Variant Classification Scheme 2023. Collection method: clinical testing. Allele origin: germline.
Comment: The p.Q944* pathogenic mutation (also known as c.2830C>T), located in coding exon 18 of the BRIP1 gene, results from a C to T substitution at nucleotide position 2830. This changes the amino acid from a glutamine to a stop codon within coding exon 18. This alteration is expected to result in loss of function by premature protein truncation or nonsense-mediated mRNA decay. As such, this alteration is interpreted as a disease-causing mutation.

Counsyl
Classification: Likely pathogenic for Fanconi anemia complementation group J; Ovarian cancer. Last evaluated: 2017-04-20. Review status: no assertion criteria provided. Collection method: clinical testing. Allele origin: unknown. Not counted in ClinVar's aggregate classification.

Literature cited by the submitters: PubMed 16116423 (cited by Labcorp Genetics (formerly Invitae), Labcorp); PubMed 17033622 (cited by Labcorp Genetics (formerly Invitae), Labcorp); PubMed 21964575 (cited by Labcorp Genetics (formerly Invitae), Labcorp).